The following is an entry in ClinVar:

ClinVar aggregate classification (germline): Conflicting classifications of pathogenicity. Review status: criteria provided, conflicting classifications (1 of 4 stars). 4 submissions from 4 submitters: Likely pathogenic (3); Uncertain significance (1). Last evaluated 2026-02-25.

Conditions:
Hereditary cancer-predisposing syndrome. Also called: Neoplastic Syndromes, Hereditary; Hereditary Cancer Syndrome; Hereditary neoplastic syndrome; Tumor predisposition. Identifiers: Orphanet 140162, MedGen C0027672, MeSH D009386, MONDO:0015356.
Hereditary diffuse gastric adenocarcinoma (HDGC). Also called: DIFFUSE GASTRIC AND LOBULAR BREAST CANCER SYNDROME. Identifiers: Orphanet 26106, MedGen C1708349, MONDO:0007648, OMIM 137215.

Submissions (4):

Myriad Genetics, Inc.
Classification: Likely pathogenic for Hereditary diffuse gastric adenocarcinoma. Last evaluated: 2026-02-25. Review status: criteria provided, single submitter. Criteria: Myriad Autosomal Dominant, Autosomal Recessive and X-Linked Classification Criteria (2023). Collection method: clinical testing. Allele origin: unknown.
Comment: This variant is considered likely pathogenic. This variant has shown to segregate with cancer in one or more families [PMID: 25771876]. mRNA analysis has demonstrated abnormal mRNA splicing occurs [Myriad internal data, PMID: 25771876].

Ambry Genetics
Classification: Likely pathogenic for Hereditary cancer-predisposing syndrome. Last evaluated: 2026-01-30. Review status: criteria provided, single submitter. Criteria: Ambry Variant Classification Scheme 2023. Collection method: clinical testing. Allele origin: germline.
Comment: The c.48G>C variant (also known as p.Q16H), located in coding exon 1 of the CDH1 gene, results from a G to C substitution at nucleotide position 48. The amino acid change results in glutamine to histidine at codon 16, an amino acid with highly similar properties. However, this change occurs in the last base pair of coding exon 1, which makes it likely to have some effect on normal mRNA splicing. RNA studies performed in these individuals showed an under-representation of the variant allele in normally spliced transcripts. This study also predicted that this variant disrupts the function of the full-length E-cadherin protein (Zhang L et al. Mutat. Res. 2014 Dec;770:106-11). This nucleotide position is highly conserved in available vertebrate species. In silico splice site analysis predicts that this alteration will weaken the native splice donor site; however, direct evidence is insufficient at this time (Ambry internal data). Based on the majority of available evidence to date, this variant is likely to be pathogenic.

Labcorp Genetics (formerly Invitae), Labcorp
Classification: Uncertain significance for Hereditary diffuse gastric adenocarcinoma. Last evaluated: 2024-12-15. Review status: criteria provided, single submitter. Criteria: Invitae Variant Classification Sherloc (09022015). Collection method: clinical testing. Allele origin: germline.
Comment: This sequence change replaces glutamine, which is neutral and polar, with histidine, which is basic and polar, at codon 16 of the CDH1 protein (p.Gln16His). This variant also falls at the last nucleotide of exon 1, which is part of the consensus splice site for this exon. This variant is not present in population databases (gnomAD no frequency). This missense change has been observed in individual(s) with gastric cancer (PMID: 25771876). ClinVar contains an entry for this variant (Variation ID: 1040346). An algorithm developed to predict the effect of missense changes on protein structure and function (PolyPhen-2) suggests that this variant is likely to be tolerated. Variants that disrupt the consensus splice site are a relatively common cause of aberrant splicing (PMID: 17576681, 9536098). Algorithms developed to predict the effect of sequence changes on RNA splicing suggest that this variant may disrupt the consensus splice site. In summary, the available evidence is currently insufficient to determine the role of this variant in disease. Therefore, it has been classified as a Variant of Uncertain Significance.

GeneDx
Classification: Likely pathogenic. Last evaluated: 2024-02-29. Review status: criteria provided, single submitter. Criteria: GeneDx Variant Classification Process June 2021. Collection method: clinical testing. Allele origin: germline. Affected: yes.
Comment: Alters the last nucleotide of the exon and is predicted to destroy the splice donor site but the effect on protein function is unclear; Published RNA studies demonstrate an absent/under-representation of the variant allele in transcripts and functional studies show Q16H impacts anti-invasion properties of CDH1 (PMID: 25771876); In silico analysis supports that this missense variant does not alter protein structure/function; Not observed at significant frequency in large population cohorts (gnomAD); This variant is associated with the following publications: (PMID: 26123647, 15235021, 30745422, 33809393, 25771876)

Literature cited by the submitters: PubMed 25771876 (cited by 3 submitters); PubMed 17576681 (cited by Labcorp Genetics (formerly Invitae), Labcorp); PubMed 9536098 (cited by Labcorp Genetics (formerly Invitae), Labcorp).

NM_004360.5(CDH1):c.48G>C (p.Gln16His)

Gene: CDH1 (cadherin 1; plus strand). Cytogenetic location: 16q22.1.
Variant type: single nucleotide variant.
Coding change: c.48G>C on transcript NM_004360.5 (MANE Select); coding-DNA position 48, G replaced by C.
Protein change: p.Gln16His; replaces glutamine 16 with histidine.
Molecular consequence: missense variant. On other transcripts: 5 prime UTR variant (2).
Genome position (GRCh38, 1-based): chr16:68,737,463, G>C. VCF-style: chr16-68737463-G-C. GRCh37 (hg19) VCF-style: chr16-68771366-G-C.
Other names: c.48G>C, p.Gln16His (NM_001317184.2); c.-1568G>C (NM_001317185.2); c.-1772G>C (NM_001317186.2); short protein forms Q16H.
Identifiers: ClinVar variation 1040346 (VCV001040346.14), dbSNP rs749591910, ClinGen allele CA396451427.
Genomic context (GRCh38, chr16:68,737,463, plus strand): 5'-TCCCCGGCCAGCCATGGGCCCTTGGAGCCGCAGCCTCTCGGCGCTGCTGCTGCTGCTGCA[G>C]GTACCCCGGATCCCCTGACTTGCGAGGGACGCATTCGGGCCGCAAGCTCCGCGCCCCAGC-3'
Protein context (NP_004351.1, residues 6-26): RSLSALLLLL[Gln16His]VSSWLCQEPE